The following is an entry in ClinVar:

ClinVar aggregate classification (germline): Uncertain significance (1 of 4 stars; one submission).

Conditions:
DICER1-related tumor predisposition. Also called: DICER1 syndrome; DICER1-related pleuropulmonary blastoma cancer predisposition syndrome. Identifiers: Orphanet 284343, MedGen C3839822, MONDO:0100216.

Submission:

Labcorp Genetics (formerly Invitae), Labcorp
Classification: Uncertain significance for DICER1-related tumor predisposition. Last evaluated: 2026-01-05. Review status: criteria provided, single submitter. Criteria: Invitae Variant Classification Sherloc (09022015). Collection method: clinical testing. Allele origin: germline.
Comment: This sequence change replaces proline, which is neutral and non-polar, with arginine, which is basic and polar, at codon 659 of the DICER1 protein (p.Pro659Arg). This variant is not present in population databases (gnomAD no frequency). This variant has not been reported in the literature in individuals affected with DICER1-related conditions. ClinVar contains an entry for this variant (Variation ID: 2738989). Invitae Evidence Modeling of protein sequence and biophysical properties (such as structural, functional, and spatial information, amino acid conservation, physicochemical variation, residue mobility, and thermodynamic stability) indicates that this missense variant is not expected to disrupt DICER1 protein function with a negative predictive value of 95%. In summary, the available evidence is currently insufficient to determine the role of this variant in disease. Therefore, it has been classified as a Variant of Uncertain Significance.

NM_177438.3(DICER1):c.1976C>G (p.Pro659Arg)

Gene: DICER1 (dicer 1, ribonuclease III; minus strand). Cytogenetic location: 14q32.13.
Variant type: single nucleotide variant.
Coding change: c.1976C>G on transcript NM_177438.3 (MANE Select); coding-DNA position 1976, C replaced by G.
Protein change: p.Pro659Arg; replaces proline 659 with arginine.
Molecular consequence: missense variant. On other transcripts: non-coding transcript variant (6).
Genome position (GRCh38, 1-based): chr14:95,113,156, G>C on the plus strand (C>G on the coding strand, the complement: DICER1 is on the minus strand). VCF-style: chr14-95113156-G-C. GRCh37 (hg19) VCF-style: chr14-95579493-G-C.
Other names: c.1976C>G, p.Pro659Arg (NM_001195573.1, NM_001271282.3, NM_001291628.2 and 13 more transcripts); c.1694C>G, p.Pro565Arg (NM_001395686.1); c.1571C>G, p.Pro524Arg (NM_001395687.1, NM_001395688.1, NM_001395689.1 and 3 more transcripts); c.1409C>G, p.Pro470Arg (NM_001395691.1); c.293C>G, p.Pro98Arg (NM_001395697.1); short protein forms P524R, P98R, P659R, P565R, P470R.
Identifiers: ClinVar variation 2738989 (VCV002738989.3), dbSNP rs2542954267, ClinGen allele CA390883309.
Genomic context (GRCh38, chr14:95,113,156, plus strand): 5'-ATGGAGGCTCGAAGAGGTGAGTTAATTGGCAGATAAAGAGTTGAATAAAATGTACCATCA[G>C]GCAACTCTCGGGTTCTGCATTTAGGAGCTAGATGAGTAAACGGATCACTTGGTAATCTAG-3'
Protein context (NP_803187.1, residues 649-669): LAPKCRTREL[Pro659Arg]DGTFYSTLYL